The following is an entry in ClinVar:

NM_007194.4(CHEK2):c.1128A>G (p.Gly376=)

Gene: CHEK2 (checkpoint kinase 2; minus strand). Cytogenetic location: 22q12.1.
Variant type: single nucleotide variant.
Coding change: c.1128A>G on transcript NM_007194.4 (MANE Select); coding-DNA position 1128, A replaced by G.
Protein change: p.Gly376=; no amino-acid change (glycine 376 retained).
Molecular consequence: synonymous variant.
Genome position (GRCh38, 1-based): chr22:28,695,841, T>C on the plus strand (A>G on the coding strand, the complement: CHEK2 is on the minus strand). VCF-style: chr22-28695841-T-C. GRCh37 (hg19) VCF-style: chr22-29091829-T-C.
Other names: c.1257A>G, p.Gly419= (NM_001005735.3); c.465A>G, p.Gly155= (NM_001257387.3); c.927A>G, p.Gly309= (NM_001349956.3); c.1041A>G, p.Gly347= (NM_145862.3).
Identifiers: ClinVar variation 481053 (VCV000481053.19), dbSNP rs1555913880, ClinGen allele CA513944940.
Genomic context (GRCh38, chr22:28,695,841, plus strand): 5'-AAGAACTTCAGGCGCCAAGTAGGTGGGGGTTCCACATAAGGTTCTCATGAGAGAGGTCTC[T>C]CCCAAAATCTTGGAGTGCCCAAAATCAGTAATCTAAAATTCAGTACAAAAGGGAATAATG-3'
Protein context (NP_009125.1, residues 366-386): ITDFGHSKIL[Gly376=]ETSLMRTLCG

ClinVar aggregate classification (germline): Benign/Likely benign. Review status: criteria provided, multiple submitters, no conflicts (2 of 4 stars). 4 submissions from 4 submitters: Benign (1); Likely benign (3). Last evaluated 2025-12-29.

Conditions:
Hereditary nonpolyposis colon cancer (HNPCC). Also called: Hereditary nonpolyposis colorectal cancer; Familial nonpolyposis colon cancer; Hereditary Nonpolyposis Colorectal Cancer Syndrome. Identifiers: Orphanet 443909, MedGen C1333990, MONDO:0018630. Disease mechanism: loss of function.
Hereditary cancer-predisposing syndrome. Also called: Hereditary Cancer Syndrome; Neoplastic Syndromes, Hereditary; Tumor predisposition; Hereditary neoplastic syndrome. Identifiers: Orphanet 140162, MedGen C0027672, MeSH D009386, MONDO:0015356.
Familial cancer of breast. Also called: BREAST CANCER, FAMILIAL; Hereditary breast cancer; hereditary breast carcinoma. Identifiers: Orphanet 227535, MedGen C0346153, MONDO:0016419, OMIM 114480. Disease mechanism: loss of function.

Allele frequency attached by ClinVar (database versions not stated): gnomAD exomes below 0.00001; TOPMed below 0.00001.
gnomAD v4.1: 3 of 1,613,780 alleles (0.00019%); highest among the groups gnomAD compares: Non-Finnish European, 0.00025%; no homozygotes.

Submissions (4):

Labcorp Genetics (formerly Invitae), Labcorp
Classification: Likely benign for Familial cancer of breast. Last evaluated: 2025-12-29. Review status: criteria provided, single submitter. Criteria: Invitae Variant Classification Sherloc (09022015). Collection method: clinical testing. Allele origin: germline.

Department of Pathology and Laboratory Medicine, Sinai Health System
Classification: Likely benign for hereditary nonpolyposis colon cancer. Last evaluated: 2025-02-07. Review status: criteria provided, single submitter. Criteria: ACMG Guidelines, 2015. Collection method: clinical testing. Allele origin: germline.

Myriad Genetics, Inc.
Classification: Benign for Familial cancer of breast. Last evaluated: 2024-10-04. Review status: criteria provided, single submitter. Criteria: Myriad Autosomal Dominant, Autosomal Recessive and X-Linked Classification Criteria (2023). Collection method: clinical testing. Allele origin: unknown.
Comment: This variant is considered benign. This variant is a silent/synonymous amino acid change and it is not expected to impact splicing.

Ambry Genetics
Classification: Likely benign for Hereditary cancer-predisposing syndrome. Last evaluated: 2016-04-12. Review status: criteria provided, single submitter. Criteria: Ambry Variant Classification Scheme 2023. Collection method: clinical testing. Allele origin: germline.